The following is an entry in ClinVar:

ClinVar aggregate classification (germline): Pathogenic/Likely pathogenic. Review status: criteria provided, multiple submitters, no conflicts (2 of 4 stars). 3 submissions from 3 submitters: Pathogenic (1); Likely pathogenic (2). Last evaluated 2025-01-26.

Conditions:
Congenital primary aphakia. Also called: ANTERIOR SEGMENT DYSGENESIS 2; Anterior segment dysgenesis 2, multiple subtypes. Identifiers: Orphanet 83461, MedGen C1853230, MONDO:0012456, OMIM 610256.
Anterior segment dysgenesis. Also called: Ocular anterior segment dysgenesis. Identifiers: Orphanet 88632, MedGen C1862839, MONDO:0019503, HP:0007700.
FOXE3-related disorder. Also called: FOXE3-related condition.

Allele frequency attached by ClinVar (database versions not stated): gnomAD exomes below 0.00001; TOPMed 0.00001; gnomAD 0.00002.

Submissions (3):

Labcorp Genetics (formerly Invitae), Labcorp
Classification: Pathogenic for Anterior segment dysgenesis; Congenital primary aphakia. Last evaluated: 2025-01-26. Review status: criteria provided, single submitter. Criteria: Invitae Variant Classification Sherloc (09022015). Collection method: clinical testing. Allele origin: germline.
Comment: This sequence change creates a premature translational stop signal (p.Ser211*) in the FOXE3 gene. While this is not anticipated to result in nonsense mediated decay, it is expected to disrupt the last 109 amino acid(s) of the FOXE3 protein. This variant is not present in population databases (gnomAD no frequency). This variant has not been reported in the literature in individuals affected with FOXE3-related conditions. ClinVar contains an entry for this variant (Variation ID: 1418123). This variant disrupts a region of the FOXE3 protein in which other variant(s) (p.Cys240*) have been determined to be pathogenic (PMID: 16826526, 20140963, 24033328). This suggests that this is a clinically significant region of the protein, and that variants that disrupt it are likely to be disease-causing. For these reasons, this variant has been classified as Pathogenic.

Blueprint Genetics
Classification: Likely pathogenic for FOXE3-related disorders. Last evaluated: 2022-01-20. Review status: criteria provided, single submitter. Criteria: ACMG Guidelines, 2015. Collection method: clinical testing. Allele origin: germline. Affected: yes. Observed: 1 variant allele.

Laboratory for Molecular Medicine, Mass General Brigham Personalized Medicine
Classification: Likely pathogenic for Congenital primary aphakia. Last evaluated: 2019-01-25. Review status: criteria provided, single submitter. Criteria: ACMG Guidelines, 2015. Collection method: clinical testing. Allele origin: germline. Inheritance: Autosomal recessive inheritance.
Comment: The p.Ser211X variant in FOXE3 has not been previously reported in individuals with ocular abnormalities and was absent from large population studies. This nonsense variant leads to a premature termination codon at position 211. As FOXE3 only consists of 1 exon, this alteration may escape nonsense mediated decay (NMD) and result in a truncated protein. In summary, although additional studies are required to fully establish its clinical significance, this variant meets criteria to be classified as likely pathogenic for autosomal recessive FOXE3-related ocular abnormalities. ACMG/AMP Criteria applied: PVS1_Strong, PM2.

Literature cited by the submitters: PubMed 16826526 (cited by Labcorp Genetics (formerly Invitae), Labcorp); PubMed 20140963 (cited by Labcorp Genetics (formerly Invitae), Labcorp); PubMed 24033328 (cited by Labcorp Genetics (formerly Invitae), Labcorp).

NM_012186.3(FOXE3):c.632C>A (p.Ser211Ter)

Genes: FOXE3 (forkhead box E3; plus strand), LINC01389 (long independently transcribed non-coding RNA 1389; minus strand). Cytogenetic location: 1p33.
Variant type: single nucleotide variant.
Coding change: c.632C>A on transcript NM_012186.3 (MANE Select); coding-DNA position 632, C replaced by A.
Protein change: p.Ser211Ter; replaces serine 211 with a stop codon.
Molecular consequence: nonsense.
Genome position (GRCh38, 1-based): chr1:47,416,947, C>A. VCF-style: chr1-47416947-C-A. GRCh37 (hg19) VCF-style: chr1-47882619-C-A.
Other names: short protein forms S211*.
Identifiers: ClinVar variation 1418123 (VCV001418123.8), dbSNP rs1035206433, ClinGen allele CA22069181.